The following is an entry in ClinVar:

ClinVar aggregate classification (germline): Uncertain significance (1 of 4 stars; one submission).

gnomAD v4.1: 5 of 1,612,798 alleles (0.00031%); highest among the groups gnomAD compares: Non-Finnish European, 0.00042%; no homozygotes.

Submission:

Labcorp Genetics (formerly Invitae), Labcorp
Classification: Uncertain significance. Last evaluated: 2025-01-17. Review status: criteria provided, single submitter. Criteria: Invitae Variant Classification Sherloc (09022015). Collection method: clinical testing. Allele origin: germline.
Comment: This sequence change creates a premature translational stop signal (p.Lys583*) in the FOCAD gene. It is expected to result in an absent or disrupted protein product. However, the current clinical and genetic evidence is not sufficient to establish whether loss-of-function variants in FOCAD cause disease. This variant is not present in population databases (gnomAD no frequency). This variant has not been reported in the literature in individuals affected with FOCAD-related conditions. Algorithms developed to predict the effect of sequence changes on RNA splicing suggest that this variant may disrupt the consensus splice site. In summary, the available evidence is currently insufficient to determine the role of this variant in disease. Therefore, it has been classified as a Variant of Uncertain Significance.

NM_001375567.1(FOCAD):c.1747A>T (p.Lys583Ter)

Gene: FOCAD (focadhesin; plus strand). Cytogenetic location: 9p21.3.
Variant type: single nucleotide variant.
Coding change: c.1747A>T on transcript NM_001375567.1 (MANE Select); coding-DNA position 1747, A replaced by T.
Protein change: p.Lys583Ter; replaces lysine 583 with a stop codon.
Molecular consequence: nonsense.
Genome position (GRCh38, 1-based): chr9:20,821,025, A>T. VCF-style: chr9-20821025-A-T. GRCh37 (hg19) VCF-style: chr9-20821024-A-T.
Other names: c.1642A>T, p.Lys548Ter (NM_001375568.1, NM_001375570.1); c.1747A>T, p.Lys583Ter (NM_017794.5); short protein forms K548*, K583*.
Identifiers: ClinVar variation 3662992 (VCV003662992.2).